The following is an entry in ClinVar:

ClinVar aggregate classification (germline): Likely benign. Review status: criteria provided, single submitter (1 of 4 stars). 2 submissions from 2 submitters: Likely benign (1). 1 of the submissions does not count toward it. Last evaluated 2023-12-01.

Conditions:
MASP2-related disorder. Also called: MASP2-related condition.

Allele frequency attached by ClinVar (database versions not stated): ExAC 0.00001; gnomAD exomes 0.00001; gnomAD 0.00003; TOPMed 0.00004.
gnomAD v4.1: 26 of 1,613,950 alleles (0.0016%); highest among the groups gnomAD compares: East Asian, 0.0045%; no homozygotes.

Submissions (2):

CeGaT Center for Human Genetics Tuebingen
Classification: Likely benign. Last evaluated: 2023-12-01. Review status: criteria provided, single submitter. Criteria: CeGaT Center For Human Genetics Tuebingen Variant Classification Criteria Version 2. Collection method: clinical testing. Allele origin: germline. Affected: yes. Observed: 1 variant allele.
Comment: MASP2: BP4, BP7

PreventionGenetics, part of Exact Sciences
Classification: Likely benign for MASP2-related condition. Last evaluated: 2019-06-24. Review status: no assertion criteria provided. Collection method: clinical testing. Allele origin: germline. Not counted in ClinVar's aggregate classification.
Comment: This variant is classified as likely benign based on ACMG/AMP sequence variant interpretation guidelines (Richards et al. 2015 PMID: 25741868, with internal and published modifications).

NM_006610.4(MASP2):c.1773G>A (p.Pro591=)

Genes: MASP2 (MBL associated serine protease 2; minus strand), TARDBP (TAR DNA binding protein; plus strand). Cytogenetic location: 1p36.22.
Variant type: single nucleotide variant.
Coding change: c.1773G>A on transcript NM_006610.4 (MANE Select); coding-DNA position 1773, G replaced by A.
Protein change: p.Pro591=; no amino-acid change (proline 591 retained).
Molecular consequence: synonymous variant.
Genome position (GRCh38, 1-based): chr1:11,027,173, C>T on the plus strand (G>A on the coding strand, the complement: MASP2 is on the minus strand). VCF-style: chr1-11027173-C-T. GRCh37 (hg19) VCF-style: chr1-11087230-C-T.
Other names: c.1773G>A (NM_006610.3).
Identifiers: ClinVar variation 3025596 (VCV003025596.23), dbSNP rs754681880, ClinGen allele CA586595.
Genomic context (GRCh38, chr1:11,027,173, plus strand): 5'-ACTTCCCCTTGGATAGGGTGGCTTTTCATATGCAGCAGTACATTTTTGATGGTCAACAAT[C>T]GGTATGTCGACATACATTAGATTTCTAGCAAGAAAACCCCTTTGGGTTAATCCCCATCCA-3'
Protein context (NP_006601.2, residues 581-601): LARNLMYVDI[Pro591=]IVDHQKCTAA